The following is an entry in ClinVar:

NM_000334.4(SCN4A):c.3748A>G (p.Met1250Val)

Genes: GH-LCR (growth hormone locus control region; plus strand), SCN4A (sodium voltage-gated channel alpha subunit 4; minus strand). Cytogenetic location: 17q23.3.
Variant type: single nucleotide variant.
Coding change: c.3748A>G on transcript NM_000334.4 (MANE Select); coding-DNA position 3748, A replaced by G.
Protein change: p.Met1250Val; replaces methionine 1250 with valine.
Molecular consequence: missense variant.
Genome position (GRCh38, 1-based): chr17:63,945,033, T>C on the plus strand (A>G on the coding strand, the complement: SCN4A is on the minus strand). VCF-style: chr17-63945033-T-C. GRCh37 (hg19) VCF-style: chr17-62022393-T-C.
Other names: short protein forms M1250V.
Identifiers: ClinVar variation 2103922 (VCV002103922.4), dbSNP rs2509289746, ClinGen allele CA400617595.
Genomic context (GRCh38, chr17:63,945,033, plus strand): 5'-GCTCACCAGCCACATCTCAGCGACCCCGACTCACCTCCCGGGAGTCCACGGCTGCATACA[T>C]GATGTCCATCCAACCCTTGAAGGTGGCCTGAGAGAGTGTGGTTGGGGAGTGAGCCGGGGG-3'
Protein context (NP_000325.4, residues 1240-1260): VATFKGWMDI[Met1250Val]YAAVDSREKE

ClinVar aggregate classification (germline): Uncertain significance (1 of 4 stars; one submission).

Conditions:
Hyperkalemic periodic paralysis. Also called: Familial hyperkalemic periodic paralysis; Gamstorp disease. Identifiers: Orphanet 682, MedGen C0238357, MONDO:0008224, OMIM 170500, HP:0007215.

Submission:

Labcorp Genetics (formerly Invitae), Labcorp
Classification: Uncertain significance for Hyperkalemic periodic paralysis. Last evaluated: 2022-02-27. Review status: criteria provided, single submitter. Criteria: Invitae Variant Classification Sherloc (09022015). Collection method: clinical testing. Allele origin: germline.
Comment: This variant is not present in population databases (gnomAD no frequency). This sequence change replaces methionine, which is neutral and non-polar, with valine, which is neutral and non-polar, at codon 1250 of the SCN4A protein (p.Met1250Val). In summary, the available evidence is currently insufficient to determine the role of this variant in disease. Therefore, it has been classified as a Variant of Uncertain Significance. Algorithms developed to predict the effect of missense changes on protein structure and function are either unavailable or do not agree on the potential impact of this missense change (SIFT: "Deleterious"; PolyPhen-2: "Benign"; Align-GVGD: "Class C15"). This variant has not been reported in the literature in individuals affected with SCN4A-related conditions.